The following is an entry in ClinVar:

NM_001005242.3(PKP2):c.416G>C (p.Arg139Thr)

Gene: PKP2 (plakophilin 2; minus strand). Cytogenetic location: 12p11.21.
Variant type: single nucleotide variant.
Coding change: c.416G>C on transcript NM_001005242.3 (MANE Select); coding-DNA position 416, G replaced by C.
Protein change: p.Arg139Thr; replaces arginine 139 with threonine.
Molecular consequence: missense variant.
Genome position (GRCh38, 1-based): chr12:32,878,464, C>G on the plus strand (G>C on the coding strand, the complement: PKP2 is on the minus strand). VCF-style: chr12-32878464-C-G. GRCh37 (hg19) VCF-style: chr12-33031398-C-G.
Other names: c.416G>C, p.Arg139Thr (NM_001407155.1, NM_001407156.1, NM_001407157.1 and 2 more transcripts); c.89G>C, p.Arg30Thr (NM_001407158.1, NM_001407159.1, NM_001407160.1 and 1 more transcripts); short protein forms R139T, R30T.
Identifiers: ClinVar variation 3656214 (VCV003656214.2).
Genomic context (GRCh38, chr12:32,878,464, plus strand): 5'-GCCCTCTCCGGGCTGCTGTCAGGAGAAATCTCCAGTCTCCTCAGAGGATGCCTCAAGGAC[C>G]TTTCTTCCACGGACTTCTGGGAGCTGTACTGTGCTGTTCCTCTTCCCCAGCGACCTTCAT-3'
Protein context (NP_001005242.2, residues 129-149): QYSSQKSVEE[Arg139Thr]SLRHPLRRLE

ClinVar aggregate classification (germline): Uncertain significance (1 of 4 stars; one submission).

Conditions:
Arrhythmogenic right ventricular dysplasia 9 (ARVD9). Also called: Arrhythmogenic Right Ventricular Dysplasia/Cardiomyopathy 9; ARRHYTHMOGENIC RIGHT VENTRICULAR DYSPLASIA, FAMILIAL, 9. Identifiers: MedGen C1836906, MONDO:0012180, OMIM 609040.

Submission:

Labcorp Genetics (formerly Invitae), Labcorp
Classification: Uncertain significance for Arrhythmogenic right ventricular dysplasia 9. Last evaluated: 2024-06-11. Review status: criteria provided, single submitter. Criteria: Invitae Variant Classification Sherloc (09022015). Collection method: clinical testing. Allele origin: germline.
Comment: This sequence change replaces arginine, which is basic and polar, with threonine, which is neutral and polar, at codon 139 of the PKP2 protein (p.Arg139Thr). This variant is not present in population databases (gnomAD no frequency). This variant has not been reported in the literature in individuals affected with PKP2-related conditions. An algorithm developed to predict the effect of missense changes on protein structure and function (PolyPhen-2) suggests that this variant is likely to be tolerated. In summary, the available evidence is currently insufficient to determine the role of this variant in disease. Therefore, it has been classified as a Variant of Uncertain Significance.